The following is an entry in ClinVar:

NM_001903.5(CTNNA1):c.1747+7G>T

Gene: CTNNA1 (catenin alpha 1; plus strand). Cytogenetic location: 5q31.2.
Variant type: single nucleotide variant.
Coding change: c.1747+7G>T on transcript NM_001903.5 (MANE Select); 7 bases into the intron after coding-DNA position 1747, G replaced by T.
Molecular consequence: intron variant.
Genome position (GRCh38, 1-based): chr5:138,924,717, G>T. VCF-style: chr5-138924717-G-T. GRCh37 (hg19) VCF-style: chr5-138260406-G-T.
Other names: c.1747+7G>T (NM_001323982.2, NM_001323984.2, NM_001290307.3 and 2 more transcripts); c.1654+7G>T (NM_001323986.2); c.1378+7G>T (NM_001290310.3); c.1438+7G>T (NM_001290309.3); c.637+7G>T (NM_001323996.1, NM_001323993.1, NM_001324005.1 and 17 more transcripts); c.298+7G>T (NM_001324007.1, NM_001324009.1, NM_001324006.1 and 2 more transcripts); c.394+7G>T (NM_001324013.1, NM_001324012.1); c.544+7G>T (NM_001324011.1).
Identifiers: ClinVar variation 3773440 (VCV003773440.1).

ClinVar aggregate classification (germline): Likely benign (1 of 4 stars; one submission).

Conditions:
Hereditary diffuse gastric adenocarcinoma (HDGC). Also called: DIFFUSE GASTRIC AND LOBULAR BREAST CANCER SYNDROME. Identifiers: Orphanet 26106, MedGen C1708349, MONDO:0007648, OMIM 137215.

Submission:

Myriad Genetics, Inc.
Classification: Likely benign for Hereditary diffuse gastric adenocarcinoma. Last evaluated: 2024-10-14. Review status: criteria provided, single submitter. Criteria: Myriad Autosomal Dominant, Autosomal Recessive and X-Linked Classification Criteria (2023). Collection method: clinical testing. Allele origin: unknown.
Comment: This variant is considered likely benign. This variant is intronic and is not expected to impact mRNA splicing.